The following is an entry in ClinVar:

NM_005535.3(IL12RB1):c.1879G>A (p.Glu627Lys)

Gene: IL12RB1 (interleukin 12 receptor subunit beta 1; minus strand). Cytogenetic location: 19p13.11.
Variant type: single nucleotide variant.
Coding change: c.1879G>A on transcript NM_005535.3 (MANE Select); coding-DNA position 1879, G replaced by A.
Protein change: p.Glu627Lys; replaces glutamic acid 627 with lysine.
Molecular consequence: missense variant.
Genome position (GRCh38, 1-based): chr19:18,059,998, C>T on the plus strand (G>A on the coding strand, the complement: IL12RB1 is on the minus strand). VCF-style: chr19-18059998-C-T. GRCh37 (hg19) VCF-style: chr19-18170808-C-T.
Other names: c.1879G>A, p.Glu627Lys (NM_001290023.2); c.1999G>A, p.Glu667Lys (NM_001290024.2); short protein forms E627K, E667K.
Identifiers: ClinVar variation 328576 (VCV000328576.18), dbSNP rs143367415, ClinGen allele CA9304661.

ClinVar aggregate classification (germline): Likely benign. Review status: criteria provided, multiple submitters, no conflicts (2 of 4 stars). 5 submissions from 5 submitters: Likely benign (4). 1 of the submissions does not count toward it. Last evaluated 2026-01-20.

Conditions:
IL12RB1-related disorder. Also called: IL12RB1-related condition.
Mendelian susceptibility to mycobacterial diseases due to complete IL12RB1 deficiency. Also called: IL12RB1 DEFICIENCY; Immunodeficiency 30. Identifiers: Orphanet 319552, MedGen C4013949, MONDO:0013955, OMIM 614891.

Allele frequency attached by ClinVar (database versions not stated): ESP Exome Variant Server 0.00033; gnomAD 0.00035 and 0.00046; TOPMed 0.00052; 1000 Genomes Project 30x 0.00078; 1000 Genomes Project 0.00080; gnomAD exomes 0.00083; ExAC 0.00160.
gnomAD v4.1: 948 of 1,600,834 alleles (0.059%); highest among the groups gnomAD compares: Middle Eastern, 0.26%; 1 homozygote.

Submissions (5):

Labcorp Genetics (formerly Invitae), Labcorp
Classification: Likely benign for Mendelian susceptibility to mycobacterial diseases due to complete IL12RB1 deficiency. Last evaluated: 2026-01-20. Review status: criteria provided, single submitter. Criteria: Invitae Variant Classification Sherloc (09022015). Collection method: clinical testing. Allele origin: germline.

Blueprint Genetics
Classification: Likely benign. Last evaluated: 2024-11-21. Review status: criteria provided, single submitter. Criteria: ACMG Guidelines, 2015. Collection method: clinical testing. Allele origin: germline.

Illumina Laboratory Services, Illumina
Classification: Likely benign for Mendelian susceptibility to mycobacterial diseases due to complete IL12RB1 deficiency. Last evaluated: 2018-01-13. Review status: criteria provided, single submitter. Criteria: ICSL Variant Classification Criteria 13 December 2019. Collection method: clinical testing. Allele origin: germline.
Comment: This variant was observed in the ICSL laboratory as part of a predisposition screen in an ostensibly healthy population. It had not been previously curated by ICSL or reported in the Human Gene Mutation Database (HGMD: prior to June 1st, 2018), and was therefore a candidate for classification through an automated scoring system. Utilizing variant allele frequency, disease prevalence and penetrance estimates, and inheritance mode, an automated score was calculated to assess if this variant is too frequent to cause the disease. Based on the score and internal cut-off values, a variant classified as likely benign is not then subjected to further curation. The score for this variant resulted in a classification of likely benign for this disease.

Breakthrough Genomics
Classification: Likely benign. Review status: criteria provided, single submitter. Criteria: ACMG Guidelines, 2015. Collection method: not provided. Allele origin: germline. Inheritance: Autosomal recessive inheritance. Affected: yes.

PreventionGenetics, part of Exact Sciences
Classification: Likely benign for IL12RB1-related condition. Last evaluated: 2024-08-28. Review status: no assertion criteria provided. Collection method: clinical testing. Allele origin: germline. Not counted in ClinVar's aggregate classification.
Comment: This variant is classified as likely benign based on ACMG/AMP sequence variant interpretation guidelines (Richards et al. 2015 PMID: 25741868, with internal and published modifications).